The following is an entry in ClinVar:

NM_002381.5(MATN3):c.664G>A (p.Val222Met)

Gene: MATN3 (matrilin 3; minus strand). Cytogenetic location: 2p24.1.
Variant type: single nucleotide variant.
Coding change: c.664G>A on transcript NM_002381.5 (MANE Select); coding-DNA position 664, G replaced by A.
Protein change: p.Val222Met; replaces valine 222 with methionine.
Molecular consequence: missense variant.
Genome position (GRCh38, 1-based): chr2:20,005,870, C>T on the plus strand (G>A on the coding strand, the complement: MATN3 is on the minus strand). VCF-style: chr2-20005870-C-T. GRCh37 (hg19) VCF-style: chr2-20205631-C-T.
Other names: short protein forms V222M.
Identifiers: ClinVar variation 333423 (VCV000333423.9), dbSNP rs753889985, ClinGen allele CA1543928.

ClinVar aggregate classification (germline): Conflicting classifications of pathogenicity. Review status: criteria provided, conflicting classifications (1 of 4 stars). 3 submissions from 3 submitters: Uncertain significance (2); Likely benign (1). Last evaluated 2025-09-10.

Conditions:
Multiple epiphyseal dysplasia type 5 (EDM5). Also called: MATN3-Related Multiple Epiphyseal Dysplasia; Microepiphyseal dysplasia, bilateral hereditary. Identifiers: Orphanet 93311, MedGen C1846843, MONDO:0011765, OMIM 607078.

Allele frequency attached by ClinVar (database versions not stated): gnomAD 0.00001; TOPMed 0.00001; gnomAD exomes 0.00003; ExAC 0.00004.
gnomAD v4.1: 33 of 1,608,756 alleles (0.0021%); highest among the groups gnomAD compares: Admixed American, 0.01%; no homozygotes.

Submissions (3):

Genomic Medicine Center of Excellence, King Faisal Specialist Hospital and Research Centre
Classification: Uncertain significance for Multiple epiphyseal dysplasia type 5. Last evaluated: 2025-09-10. Review status: criteria provided, single submitter. Criteria: ACMG Guidelines, 2015. Collection method: clinical testing. Allele origin: germline.

Genomic Research Center, Shahid Beheshti University of Medical Sciences
Classification: Uncertain significance. Last evaluated: 2019-01-01. Review status: criteria provided, single submitter. Criteria: ACMG Guidelines, 2015. Collection method: clinical testing. Allele origin: unknown. Affected: yes. Observed: 1 variant allele.

Illumina Laboratory Services, Illumina
Classification: Likely benign for Multiple epiphyseal dysplasia type 5. Last evaluated: 2018-01-13. Review status: criteria provided, single submitter. Criteria: ICSL Variant Classification Criteria 13 December 2019. Collection method: clinical testing. Allele origin: germline.
Comment: This variant was observed in the ICSL laboratory as part of a predisposition screen in an ostensibly healthy population. It had not been previously curated by ICSL or reported in the Human Gene Mutation Database (HGMD: prior to June 1st, 2018), and was therefore a candidate for classification through an automated scoring system. Utilizing variant allele frequency, disease prevalence and penetrance estimates, and inheritance mode, an automated score was calculated to assess if this variant is too frequent to cause the disease. Based on the score and internal cut-off values, a variant classified as likely benign is not then subjected to further curation. The score for this variant resulted in a classification of likely benign for this disease.